The following is an entry in ClinVar:

NM_000212.3(ITGB3):c.787G>A (p.Gly263Ser)

Gene: ITGB3 (integrin subunit beta 3; plus strand). Cytogenetic location: 17q21.32.
Variant type: single nucleotide variant.
Coding change: c.787G>A on transcript NM_000212.3 (MANE Select); coding-DNA position 787, G replaced by A.
Protein change: p.Gly263Ser; replaces glycine 263 with serine.
Molecular consequence: missense variant.
Genome position (GRCh38, 1-based): chr17:47,287,079, G>A. VCF-style: chr17-47287079-G-A. GRCh37 (hg19) VCF-style: chr17-45364445-G-A.
Other names: short protein forms G263S.
Identifiers: ClinVar variation 2193680 (VCV002193680.1), dbSNP rs368829511, ClinGen allele CA8623059.

ClinVar aggregate classification (germline): Uncertain significance (1 of 4 stars; one submission).

Allele frequency attached by ClinVar (database versions not stated): gnomAD exomes below 0.00001; ExAC 0.00002; gnomAD 0.00003; TOPMed 0.00003; ESP Exome Variant Server 0.00008; 1000 Genomes Project 30x 0.00016; 1000 Genomes Project 0.00020.

Submission:

Labcorp Genetics (formerly Invitae), Labcorp
Classification: Uncertain significance. Last evaluated: 2022-05-13. Review status: criteria provided, single submitter. Criteria: Invitae Variant Classification Sherloc (09022015). Collection method: clinical testing. Allele origin: germline.
Comment: This sequence change replaces glycine, which is neutral and non-polar, with serine, which is neutral and polar, at codon 263 of the ITGB3 protein (p.Gly263Ser). This variant is present in population databases (rs368829511, gnomAD 0.03%). This variant has not been reported in the literature in individuals affected with ITGB3-related conditions. Algorithms developed to predict the effect of missense changes on protein structure and function (SIFT, PolyPhen-2, Align-GVGD) all suggest that this variant is likely to be disruptive. In summary, the available evidence is currently insufficient to determine the role of this variant in disease. Therefore, it has been classified as a Variant of Uncertain Significance.